The following is an entry in ClinVar:

ClinVar aggregate classification (germline): Uncertain significance (1 of 4 stars; one submission).

Submission:

GeneDx
Classification: Uncertain significance. Last evaluated: 2026-03-27. Review status: criteria provided, single submitter. Criteria: GeneDx Variant Classification Process June 2021. Collection method: clinical testing. Allele origin: germline.
Comment: Not observed at significant frequency in large population cohorts (gnomAD); In silico analysis supports a deleterious effect on protein structure/function; Has not been previously published as pathogenic or benign to our knowledge

NM_004100.5(EYA4):c.463_464delinsAA (p.Pro155Lys)

Gene: EYA4 (EYA transcriptional coactivator and phosphatase 4; plus strand). Cytogenetic location: 6q23.2.
Variant type: Indel.
Coding change: c.463_464delinsAA on transcript NM_004100.5 (MANE Select); coding-DNA positions 463 to 464, CC replaced by AA.
Protein change: p.Pro155Lys; replaces proline 155 with lysine.
Molecular consequence: missense variant.
Genome position (GRCh38, 1-based): chr6:133,462,360-133,462,361, CC replaced by AA. VCF-style: chr6-133462360-CC-AA. GRCh37 (hg19) VCF-style: chr6-133783498-CC-AA.
Other names: c.301_302delinsAA, p.Pro101Lys (NM_001301012.2, NM_001370459.1); c.463_464delinsAA, p.Pro155Lys (NM_001301013.2, NM_172105.4); c.394_395delinsAA, p.Pro132Lys (NM_001370458.1, NM_172103.4); short protein forms P101K, P132K, P155K.
Identifiers: ClinVar variation 5016986 (VCV005016986.1).
Genomic context (GRCh38, chr6:133,462,360, plus strand): 5'-TGTTGCCACAGTAATGCTATTTTTCTGATATTTAGGCCCTATCCACACATTCTTTCTACA[CC>AA]AGCAGCTCAAACAATGTCTGCCTATGCAGGCCAGACTCAGTATTCGGGGATGCAGCAGCC-3'
Protein context (NP_004091.3, residues 145-165): SKPYPHILST[Pro155Lys]AAQTMSAYAG